The following is an entry in ClinVar:

NM_000553.6(WRN):c.1313T>C (p.Ile438Thr)

Gene: WRN (WRN RecQ like helicase; plus strand). Cytogenetic location: 8p12.
Variant type: single nucleotide variant.
Coding change: c.1313T>C on transcript NM_000553.6 (MANE Select); coding-DNA position 1313, T replaced by C.
Protein change: p.Ile438Thr; replaces isoleucine 438 with threonine.
Molecular consequence: missense variant.
Genome position (GRCh38, 1-based): chr8:31,083,742, T>C. VCF-style: chr8-31083742-T-C. GRCh37 (hg19) VCF-style: chr8-30941258-T-C.
Other names: short protein forms I438T.
Identifiers: ClinVar variation 2866734 (VCV002866734.3), dbSNP rs2535916892, ClinGen allele CA370922678.

ClinVar aggregate classification (germline): Uncertain significance (1 of 4 stars; one submission).

Conditions:
Werner syndrome (WRN). Identifiers: Orphanet 902, MedGen C0043119, MONDO:0010196, OMIM 277700.

Submission:

Labcorp Genetics (formerly Invitae), Labcorp
Classification: Uncertain significance for Werner syndrome. Last evaluated: 2023-05-21. Review status: criteria provided, single submitter. Criteria: Invitae Variant Classification Sherloc (09022015). Collection method: clinical testing. Allele origin: germline.
Comment: This variant is not present in population databases (gnomAD no frequency). This variant has not been reported in the literature in individuals affected with WRN-related conditions. An algorithm developed to predict the effect of missense changes on protein structure and function (PolyPhen-2) suggests that this variant is likely to be tolerated. In summary, the available evidence is currently insufficient to determine the role of this variant in disease. Therefore, it has been classified as a Variant of Uncertain Significance. This sequence change replaces isoleucine, which is neutral and non-polar, with threonine, which is neutral and polar, at codon 438 of the WRN protein (p.Ile438Thr).